The following is an entry in ClinVar:

NM_057175.5(NAA15):c.515A>G (p.Glu172Gly)

Gene: NAA15 (N-alpha-acetyltransferase 15, NatA auxiliary subunit; plus strand). Cytogenetic location: 4q31.1.
Variant type: single nucleotide variant.
Coding change: c.515A>G on transcript NM_057175.5 (MANE Select); coding-DNA position 515, A replaced by G.
Protein change: p.Glu172Gly; replaces glutamic acid 172 with glycine.
Molecular consequence: missense variant.
Genome position (GRCh38, 1-based): chr4:139,342,938, A>G. VCF-style: chr4-139342938-A-G. GRCh37 (hg19) VCF-style: chr4-140264092-A-G.
Other names: c.515A>G, p.Glu172Gly (NM_001410842.1); short protein forms E172G.
Identifiers: ClinVar variation 3903148 (VCV003903148.2).
Genomic context (GRCh38, chr4:139,342,938, plus strand): 5'-TTGGTTATGCTATTGCTTACCATTTATTAGAAGATTATGAAATGGCAGCAAAGATTTTAG[A>G]AGAATTTAGGAAAACACAACAGGTAATAACTAGAAGCCATTTTACTAAGTCTGATCCTAA-3'
Protein context (NP_476516.1, residues 162-182): EDYEMAAKIL[Glu172Gly]EFRKTQQTSP

ClinVar aggregate classification (germline): Uncertain significance (1 of 4 stars; one submission).

Submission:

GeneDx
Classification: Uncertain significance. Last evaluated: 2026-01-27. Review status: criteria provided, single submitter. Criteria: GeneDx Variant Classification Process June 2021. Collection method: clinical testing. Allele origin: germline.
Comment: Not observed at significant frequency in large population cohorts (gnomAD); In silico analysis supports that this missense variant has a deleterious effect on protein structure/function; Has not been previously published as pathogenic or benign to our knowledge